The following is an entry in ClinVar:

ClinVar aggregate classification (germline): Uncertain significance (1 of 4 stars; one submission).

Submission:

Labcorp Genetics (formerly Invitae), Labcorp
Classification: Uncertain significance. Last evaluated: 2020-02-26. Review status: criteria provided, single submitter. Criteria: Invitae Variant Classification Sherloc (09022015). Collection method: clinical testing. Allele origin: germline.
Comment: This variant has not been reported in the literature in individuals with ANLN-related conditions. Algorithms developed to predict the effect of missense changes on protein structure and function (SIFT, PolyPhen-2, Align-GVGD) all suggest that this variant is likely to be tolerated, but these predictions have not been confirmed by published functional studies and their clinical significance is uncertain. In summary, the available evidence is currently insufficient to determine the role of this variant in disease. Therefore, it has been classified as a Variant of Uncertain Significance. This sequence change replaces threonine with isoleucine at codon 899 of the ANLN protein (p.Thr899Ile). The threonine residue is weakly conserved and there is a moderate physicochemical difference between threonine and isoleucine. This variant is not present in population databases (ExAC no frequency).

NM_018685.5(ANLN):c.2696C>T (p.Thr899Ile)

Gene: ANLN (anillin, actin binding protein; plus strand). Cytogenetic location: 7p14.2.
Variant type: single nucleotide variant.
Coding change: c.2696C>T on transcript NM_018685.5 (MANE Select); coding-DNA position 2696, C replaced by T.
Protein change: p.Thr899Ile; replaces threonine 899 with isoleucine.
Molecular consequence: missense variant.
Genome position (GRCh38, 1-based): chr7:36,424,729, C>T. VCF-style: chr7-36424729-C-T. GRCh37 (hg19) VCF-style: chr7-36464338-C-T.
Other names: c.2585C>T, p.Thr862Ile (NM_001284301.3); c.2582C>T, p.Thr861Ile (NM_001284302.3); short protein forms T861I, T862I, T899I.
Identifiers: ClinVar variation 1011808 (VCV001011808.9), dbSNP rs1788011536, ClinGen allele CA367214499.